The following is an entry in ClinVar:

NM_001099922.3(ALG13):c.2479T>C (p.Cys827Arg)

Gene: ALG13 (ALG13 UDP-N-acetylglucosaminyltransferase subunit; plus strand). Cytogenetic location: Xq23.
Variant type: single nucleotide variant.
Coding change: c.2479T>C on transcript NM_001099922.3 (MANE Select); coding-DNA position 2479, T replaced by C.
Protein change: p.Cys827Arg; replaces cysteine 827 with arginine.
Molecular consequence: missense variant. On other transcripts: non-coding transcript variant (1).
Genome position (GRCh38, 1-based): chrX:111,735,072, T>C. VCF-style: chrX-111735072-T-C. GRCh37 (hg19) VCF-style: chrX-110978300-T-C.
Other names: c.2167T>C, p.Cys723Arg (NM_001257230.2, NM_001257234.2, NM_001257237.2); c.2245T>C, p.Cys749Arg (NM_001257231.2); c.2479T>C, p.Cys827Arg (NM_001324292.2); c.1993T>C, p.Cys665Arg (NM_001324293.1); short protein forms C665R, C723R, C749R, C827R.
Identifiers: ClinVar variation 3343828 (VCV003343828.1).

ClinVar aggregate classification (germline): Uncertain significance (1 of 4 stars; one submission).

gnomAD v4.1: 1 of 1,190,827 alleles (0.000084%); highest among the groups gnomAD compares: Non-Finnish European, 0.00011%; no homozygotes.

Submission:

GeneDx
Classification: Uncertain significance. Last evaluated: 2024-01-09. Review status: criteria provided, single submitter. Criteria: GeneDx Variant Classification Process June 2021. Collection method: clinical testing. Allele origin: germline. Affected: yes.
Comment: Not observed at significant frequency in large population cohorts (gnomAD); In silico analysis supports that this missense variant does not alter protein structure/function; Has not been previously published as pathogenic or benign to our knowledge